The following is an entry in ClinVar:

ClinVar aggregate classification (germline): Uncertain significance. Review status: criteria provided, multiple submitters, no conflicts (2 of 4 stars). 6 submissions from 6 submitters: Uncertain significance (6). Last evaluated 2025-11-17.

Conditions:
Hereditary cancer-predisposing syndrome. Also called: Neoplastic Syndromes, Hereditary; Hereditary neoplastic syndrome; Tumor predisposition; Hereditary Cancer Syndrome. Identifiers: Orphanet 140162, MedGen C0027672, MeSH D009386, MONDO:0015356.
POLD1-related polyposis and colorectal cancer syndrome (CRCS10). Also called: Colorectal cancer 10; COLORECTAL CANCER, SUSCEPTIBILITY TO, ON CHROMOSOME 19q; Colorectal cancer, susceptibility to, 10. Identifiers: Orphanet 220460, MedGen C2675481, MONDO:0012953, OMIM 612591.

Allele frequency attached by ClinVar (database versions not stated): gnomAD exomes 0.00001; ExAC 0.00003.

Submissions (6):

Labcorp Genetics (formerly Invitae), Labcorp
Classification: Uncertain significance for POLD1-related polyposis and colorectal cancer syndrome. Last evaluated: 2025-11-17. Review status: criteria provided, single submitter. Criteria: Invitae Variant Classification Sherloc (09022015). Collection method: clinical testing. Allele origin: germline.
Comment: This sequence change replaces arginine, which is basic and polar, with histidine, which is basic and polar, at codon 423 of the POLD1 protein (p.Arg423His). This variant is present in population databases (rs199576140, gnomAD 0.003%). This variant has not been reported in the literature in individuals affected with POLD1-related conditions. ClinVar contains an entry for this variant (Variation ID: 469189). Invitae Evidence Modeling of protein sequence and biophysical properties (such as structural, functional, and spatial information, amino acid conservation, physicochemical variation, residue mobility, and thermodynamic stability) indicates that this missense variant is expected to disrupt POLD1 protein function with a positive predictive value of 80%. In summary, the available evidence is currently insufficient to determine the role of this variant in disease. Therefore, it has been classified as a Variant of Uncertain Significance.

Ambry Genetics
Classification: Uncertain significance for Hereditary cancer-predisposing syndrome. Last evaluated: 2025-09-14. Review status: criteria provided, single submitter. Criteria: Ambry Variant Classification Scheme 2023. Collection method: clinical testing. Allele origin: germline.
Comment: The p.R423H variant (also known as c.1268G>A), located in coding exon 10 of the POLD1 gene, results from a G to A substitution at nucleotide position 1268. The arginine at codon 423 is replaced by histidine, an amino acid with highly similar properties. This alteration has been reported as a somatic alteration in a colorectal tumor with microsatellite instability (Shinbrot E et al. Genome Res., 2014 Nov;24:1740-50). This amino acid position is highly conserved in available vertebrate species. In addition, this alteration is predicted to be deleterious by in silico analysis. Since supporting evidence is limited at this time, the clinical significance of this alteration remains unclear.

Center for Genomic Medicine, Rigshospitalet, Copenhagen University Hospital
Classification: Uncertain significance. Last evaluated: 2025-03-04. Review status: criteria provided, single submitter. Criteria: ACMG Guidelines, 2015. Collection method: clinical testing. Allele origin: germline.

Baylor Genetics
Classification: Uncertain significance for POLD1-related polyposis and colorectal cancer syndrome. Last evaluated: 2023-12-14. Review status: criteria provided, single submitter. Criteria: ACMG Guidelines, 2015. Collection method: clinical testing. Allele origin: unknown.

GeneDx
Classification: Uncertain significance. Last evaluated: 2022-10-18. Review status: criteria provided, single submitter. Criteria: GeneDx Variant Classification Process June 2021. Collection method: clinical testing. Allele origin: germline. Affected: yes.
Comment: Not observed at significant frequency in large population cohorts (gnomAD); In silico analysis supports that this missense variant has a deleterious effect on protein structure/function; Has not been previously published as pathogenic or benign to our knowledge; This variant is associated with the following publications: (PMID: 22895193, 20951805, 25228659)

Sema4
Classification: Uncertain significance for Hereditary cancer-predisposing syndrome. Last evaluated: 2021-08-04. Review status: criteria provided, single submitter. Criteria: Sema4 Curation Guidelines. Collection method: curation. Allele origin: germline.
Comment: To the best of our knowledge, the POLD1 c.1268G>A (p.R423H) variant has not been reported in individuals with POLD1-related disease. It was observed in 3/113640 chromosomes of the Non-Finnish European subpopulation in the large and broad cohorts of the Genome Aggregation Database (PMID: 32461654). The variant has been reported in ClinVar (Variation ID: 469189). Functional studies have not been performed, and in silico predictions of the variant's effect on protein function are inconclusive. The evidence is insufficient to meet ACMG/AMP criteria for classifying the variant as benign or pathogenic. Thus, the clinical significance of this variant is currently uncertain.

Literature cited by the submitters: PubMed 25228659 (cited by Ambry Genetics).

NM_002691.4(POLD1):c.1268G>A (p.Arg423His)

Gene: POLD1 (DNA polymerase delta 1, catalytic subunit; plus strand). Cytogenetic location: 19q13.33.
Variant type: single nucleotide variant.
Coding change: c.1268G>A on transcript NM_002691.4 (MANE Select); coding-DNA position 1268, G replaced by A.
Protein change: p.Arg423His; replaces arginine 423 with histidine.
Molecular consequence: missense variant. On other transcripts: non-coding transcript variant (1).
Genome position (GRCh38, 1-based): chr19:50,406,207, G>A. VCF-style: chr19-50406207-G-A. GRCh37 (hg19) VCF-style: chr19-50909464-G-A.
Other names: c.1268G>A, p.Arg423His (NM_001256849.1, NM_001308632.1); short protein forms R423H.
Identifiers: ClinVar variation 469189 (VCV000469189.20), dbSNP rs199576140, ClinGen allele CA9596096.